The following is an entry in ClinVar:

NM_001042492.3(NF1):c.3191T>C (p.Leu1064Pro)

Gene: NF1 (neurofibromin 1; plus strand). Cytogenetic location: 17q11.2.
Variant type: single nucleotide variant.
Coding change: c.3191T>C on transcript NM_001042492.3 (MANE Select); coding-DNA position 3191, T replaced by C.
Protein change: p.Leu1064Pro; replaces leucine 1064 with proline.
Molecular consequence: missense variant.
Genome position (GRCh38, 1-based): chr17:31,230,919, T>C. VCF-style: chr17-31230919-T-C. GRCh37 (hg19) VCF-style: chr17-29557937-T-C.
Other names: c.3191T>C, p.Leu1064Pro (NM_000267.4); short protein forms L1064P.
Identifiers: ClinVar variation 2798829 (VCV002798829.4), dbSNP rs2151432531, ClinGen allele CA398988302.

ClinVar aggregate classification (germline): Uncertain significance. Review status: criteria provided, multiple submitters, no conflicts (2 of 4 stars). 2 submissions from 2 submitters: Uncertain significance (2). Last evaluated 2024-08-27.

Conditions:
Neurofibromatosis, type 1 (NF1). Also called: VON RECKLINGHAUSEN DISEASE; Neurofibromatosis, type I; NEUROFIBROMATOSIS, TYPE I, SOMATIC; Peripheral type neurofibromatosis. Identifiers: Orphanet 636, MedGen C0027831, MONDO:0018975, OMIM 162200. Disease mechanism: loss of function.
Cardiovascular phenotype. Identifiers: MedGen CN230736.
Hereditary cancer-predisposing syndrome. Also called: Hereditary neoplastic syndrome; Neoplastic Syndromes, Hereditary; Tumor predisposition; Hereditary Cancer Syndrome. Identifiers: Orphanet 140162, MedGen C0027672, MeSH D009386, MONDO:0015356.

Submissions (2):

Labcorp Genetics (formerly Invitae), Labcorp
Classification: Uncertain significance for Neurofibromatosis, type 1. Last evaluated: 2024-08-27. Review status: criteria provided, single submitter. Criteria: Invitae Variant Classification Sherloc (09022015). Collection method: clinical testing. Allele origin: germline.
Comment: This sequence change replaces leucine, which is neutral and non-polar, with proline, which is neutral and non-polar, at codon 1064 of the NF1 protein (p.Leu1064Pro). This variant is not present in population databases (gnomAD no frequency). This variant has not been reported in the literature in individuals affected with NF1-related conditions. Invitae Evidence Modeling of protein sequence and biophysical properties (such as structural, functional, and spatial information, amino acid conservation, physicochemical variation, residue mobility, and thermodynamic stability) indicates that this missense variant is expected to disrupt NF1 protein function with a positive predictive value of 95%. In summary, the available evidence is currently insufficient to determine the role of this variant in disease. Therefore, it has been classified as a Variant of Uncertain Significance.

Ambry Genetics
Classification: Uncertain significance for Cardiovascular phenotype; Hereditary cancer-predisposing syndrome. Last evaluated: 2023-07-30. Review status: criteria provided, single submitter. Criteria: Ambry Variant Classification Scheme 2023. Collection method: clinical testing. Allele origin: germline.
Comment: The p.L1064P variant (also known as c.3191T>C), located in coding exon 24 of the NF1 gene, results from a T to C substitution at nucleotide position 3191. The leucine at codon 1064 is replaced by proline, an amino acid with similar properties. This amino acid position is conserved. In addition, the in silico prediction for this alteration is inconclusive. Since supporting evidence is limited at this time, the clinical significance of this alteration remains unclear.